The following is an entry in ClinVar:

ClinVar aggregate classification (germline): Likely pathogenic (1 of 4 stars; one submission).

Conditions:
Duchenne muscular dystrophy (DMD). Also called: MUSCULAR DYSTROPHY, PSEUDOHYPERTROPHIC PROGRESSIVE, DUCHENNE TYPE; Duchenne Muscular Dystrophy (DMD). Identifiers: Orphanet 98896, MedGen C0013264, MONDO:0010679, OMIM 310200.

Submission:

Labcorp Genetics (formerly Invitae), Labcorp
Classification: Likely pathogenic for Duchenne muscular dystrophy. Last evaluated: 2023-08-10. Review status: criteria provided, single submitter. Criteria: Invitae Variant Classification Sherloc (09022015). Collection method: clinical testing. Allele origin: unknown.
Comment: In summary, the currently available evidence indicates that the variant is pathogenic, but additional data are needed to prove that conclusively. Therefore, this variant has been classified as Likely Pathogenic. A similar copy number variant has been observed in individual(s) with Duchenne muscular dystrophy (PMID: 26911353). This variant results in a copy number gain of the genomic region encompassing exon(s) 8-41 of the DMD gene. While the exact position of this variant cannot be determined from the data, sub-genic copy number gains are generally in tandem (PMID: 25640679). This variant is predicted to be out-of-frame, and may result in an absent or disrupted protein product. Loss-of-function variants in DMD are known to be pathogenic (PMID: 16770791, 25007885).

Literature cited by the submitters: PubMed 26911353; PubMed 25640679; PubMed 16770791; PubMed 25007885.

NC_000023.10:g.(?_32360197)_(32756908_?)dup

Gene: DMD (dystrophin; minus strand). Cytogenetic location: Xp21.1.
Variant type: Duplication.
Identifiers: ClinVar variation 3243416 (VCV003243416.1).